The following is an entry in ClinVar:

NM_170707.4(LMNA):c.399G>A (p.Arg133=)

Genes: LMNA (lamin A/C; plus strand), LOC126805877 (MED14-independent group 3 enhancer GRCh37_chr1:156099693-156100892; plus strand). Cytogenetic location: 1q22.
Variant type: single nucleotide variant.
Coding change: c.399G>A on transcript NM_170707.4 (MANE Select); coding-DNA position 399, G replaced by A.
Protein change: p.Arg133=; no amino-acid change (arginine 133 retained).
Molecular consequence: synonymous variant. On other transcripts: intron variant (4), 5 prime UTR variant (7).
Genome position (GRCh38, 1-based): chr1:156,130,659, G>A. VCF-style: chr1-156130659-G-A. GRCh37 (hg19) VCF-style: chr1-156100450-G-A.
Other names: p.Arg133=; c.-45-3744G>A (NM_001406990.1, NM_001407002.1, NM_001406995.1); c.63G>A, p.Arg21= (NM_001257374.3, NM_001406989.1, NM_001406998.1); c.156G>A, p.Arg52= (NM_001282624.2, NM_001406986.1, NM_001406987.1); c.399G>A, p.Arg133= (NM_001282625.2, NM_001282626.2, NM_001406983.1 and 6 more transcripts); c.102G>A, p.Arg34= (NM_001406988.1); c.-160G>A (NM_001406993.1, NM_001406996.1, NM_001406997.1 and 1 more transcripts); c.-266G>A (NM_001406994.1, NM_001406999.1, NM_001407000.1); and 1 more.
Identifiers: ClinVar variation 4683516 (VCV004683516.1).
Genomic context (GRCh38, chr1:156,130,659, plus strand): 5'-CTCCCCTCTCTTCTTTAGCAATACCAAGAAGGAGGGTGACCTGATAGCTGCTCAGGCTCG[G>A]CTGAAGGACCTGGAGGCTCTGCTGAACTCCAAGGAGGCCGCACTGAGCACTGCTCTCAGT-3'
Protein context (NP_733821.1, residues 123-143): KEGDLIAAQA[Arg133=]LKDLEALLNS

ClinVar aggregate classification (germline): Likely benign (1 of 4 stars; one submission).

Submission:

Mayo Clinic Laboratories, Mayo Clinic
Classification: Likely benign. Last evaluated: 2025-11-22. Review status: criteria provided, single submitter. Criteria: ACMG Guidelines, 2015. Collection method: clinical testing. Allele origin: germline. Observed: 1 variant allele.
Comment: BP4, BP7